The following is an entry in ClinVar:

ClinVar aggregate classification (germline): Conflicting classifications of pathogenicity. Review status: criteria provided, conflicting classifications (1 of 4 stars). 2 submissions from 2 submitters: Uncertain significance (1); Likely benign (1). Last evaluated 2023-03-23.

Conditions:
Hereditary cancer-predisposing syndrome. Also called: Tumor predisposition; Hereditary Cancer Syndrome; Hereditary neoplastic syndrome; Neoplastic Syndromes, Hereditary. Identifiers: Orphanet 140162, MedGen C0027672, MeSH D009386, MONDO:0015356.
Hereditary breast ovarian cancer syndrome. Also called: Hereditary breast and ovarian cancer; BRCA1- and BRCA2-Associated Hereditary Breast and Ovarian Cancer; Hereditary breast and ovarian cancer syndrome; Hereditary breast and ovarian cancer syndrome (HBOC); Breast and ovarian cancer; Hereditary breast and/or ovarian cancer syndrome. Identifiers: Orphanet 145, MedGen C0677776, MeSH D061325, MONDO:0003582. Disease mechanism: loss of function.

Allele frequency attached by ClinVar (database versions not stated): gnomAD exomes below 0.00001.
gnomAD v4.1: 1 of 1,611,676 alleles (0.000062%); highest among the groups gnomAD compares: Non-Finnish European, 0.000085%; no homozygotes.

Submissions (2):

University of Washington Department of Laboratory Medicine, University of Washington
Classification: Likely benign for Hereditary cancer-predisposing syndrome. Last evaluated: 2023-03-23. Review status: criteria provided, single submitter. Criteria: Dines et al. (Genet Med. 2020). Collection method: curation. Allele origin: germline.
Comment: Missense variant in a coldspot region where missense variants are very unlikely to be pathogenic (PMID:31911673).

BRCA2 exon 11 coldspot. Reclassification based on statistical prior probability.

Labcorp Genetics (formerly Invitae), Labcorp
Classification: Uncertain significance for Hereditary breast ovarian cancer syndrome. Last evaluated: 2020-12-23. Review status: criteria provided, single submitter. Criteria: Invitae Variant Classification Sherloc (09022015). Collection method: clinical testing. Allele origin: germline.
Comment: This sequence change replaces threonine with isoleucine at codon 1231 of the BRCA2 protein (p.Thr1231Ile). The threonine residue is weakly conserved and there is a moderate physicochemical difference between threonine and isoleucine. In summary, the available evidence is currently insufficient to determine the role of this variant in disease. Therefore, it has been classified as a Variant of Uncertain Significance. Advanced modeling of protein sequence and biophysical properties (such as structural, functional, and spatial information, amino acid conservation, physicochemical variation, residue mobility, and thermodynamic stability) performed at Invitae indicates that this missense variant is not expected to disrupt BRCA2 protein function. This variant has not been reported in the literature in individuals with BRCA2-related conditions. This variant is not present in population databases (ExAC no frequency).

NM_000059.4(BRCA2):c.3692C>T (p.Thr1231Ile)

Gene: BRCA2 (BRCA2 DNA repair associated; plus strand). Cytogenetic location: 13q13.1.
Variant type: single nucleotide variant.
Coding change: c.3692C>T on transcript NM_000059.4 (MANE Select); coding-DNA position 3692, C replaced by T.
Protein change: p.Thr1231Ile; replaces threonine 1231 with isoleucine.
Molecular consequence: missense variant.
Genome position (GRCh38, 1-based): chr13:32,338,047, C>T. VCF-style: chr13-32338047-C-T. GRCh37 (hg19) VCF-style: chr13-32912184-C-T.
Other names: short protein forms T1231I.
Identifiers: ClinVar variation 1481692 (VCV001481692.9), dbSNP rs2137499081, ClinGen allele CA387778033.
Genomic context (GRCh38, chr13:32,338,047, plus strand): 5'-AAAATGAAGTGGGGTTTAGGGGCTTTTATTCTGCTCATGGCACAAAACTGAATGTTTCTA[C>T]TGAAGCTCTGCAAAAAGCTGTGAAACTGTTTAGTGATATTGAGAATATTAGTGAGGAAAC-3'
Protein context (NP_000050.3, residues 1221-1241): SAHGTKLNVS[Thr1231Ile]EALQKAVKLF